The following is an entry in ClinVar:

NM_015100.4(POGZ):c.1790A>G (p.Tyr597Cys)

Gene: POGZ (pogo transposable element derived with ZNF domain; minus strand). Cytogenetic location: 1q21.3.
Variant type: single nucleotide variant.
Coding change: c.1790A>G on transcript NM_015100.4 (MANE Select); coding-DNA position 1790, A replaced by G.
Protein change: p.Tyr597Cys; replaces tyrosine 597 with cysteine.
Molecular consequence: missense variant.
Genome position (GRCh38, 1-based): chr1:151,411,761, T>C on the plus strand (A>G on the coding strand, the complement: POGZ is on the minus strand). VCF-style: chr1-151411761-T-C. GRCh37 (hg19) VCF-style: chr1-151384237-T-C.
Other names: c.1763A>G, p.Tyr588Cys (NM_001194937.2); c.1604A>G, p.Tyr535Cys (NM_001194938.2); c.1811A>G, p.Tyr604Cys (NM_001410860.1); c.1505A>G, p.Tyr502Cys (NM_145796.4); c.1631A>G, p.Tyr544Cys (NM_207171.2); short protein forms Y502C, Y535C, Y544C, Y588C, Y597C, Y604C.
Identifiers: ClinVar variation 2572240 (VCV002572240.1), dbSNP rs1455432523, ClinGen allele CA341963718.

ClinVar aggregate classification (germline): Uncertain significance (1 of 4 stars; one submission).

Allele frequency attached by ClinVar (database versions not stated): gnomAD 0.00001.
gnomAD v4.1: 1 of 1,612,596 alleles (0.000062%); highest among the groups gnomAD compares: African/African-American, 0.0013%; no homozygotes.

Submission:

Greenwood Genetic Center Diagnostic Laboratories, Greenwood Genetic Center
Classification: Uncertain significance. Last evaluated: 2023-05-30. Review status: criteria provided, single submitter. Criteria: ACMG Guidelines, 2015. Collection method: clinical testing. Allele origin: germline. Affected: yes.
Comment: PM2, PP2, PP3